The following is an entry in ClinVar:

NM_006308.3(HSPB3):c.191C>T (p.Pro64Leu)

Gene: HSPB3 (heat shock protein family B (small) member 3; plus strand). Cytogenetic location: 5q11.2.
Variant type: single nucleotide variant.
Coding change: c.191C>T on transcript NM_006308.3 (MANE Select); coding-DNA position 191, C replaced by T.
Protein change: p.Pro64Leu; replaces proline 64 with leucine.
Molecular consequence: missense variant.
Genome position (GRCh38, 1-based): chr5:54,455,980, C>T. VCF-style: chr5-54455980-C-T. GRCh37 (hg19) VCF-style: chr5-53751810-C-T.
Other names: short protein forms P64L.
Identifiers: ClinVar variation 4741504 (VCV004741504.1).

ClinVar aggregate classification (germline): Uncertain significance (1 of 4 stars; one submission).

Conditions:
Neuronopathy, distal hereditary motor, type 2C. Also called: NEUROPATHY, DISTAL HEREDITARY MOTOR, AUTOSOMAL DOMINANT 4; NEURONOPATHY, DISTAL HEREDITARY MOTOR, HARDING TYPE IIC; NEUROPATHY, DISTAL HEREDITARY MOTOR, HARDING TYPE IIC; HMN IIC. Identifiers: Orphanet 139525, MedGen C3150619, MONDO:0013243, OMIM 613376.

gnomAD v4.1: 6 of 1,613,924 alleles (0.00037%); highest among the groups gnomAD compares: African/African-American, 0.0013%; no homozygotes.

Submission:

Labcorp Genetics (formerly Invitae), Labcorp
Classification: Uncertain significance for Neuronopathy, distal hereditary motor, type 2C. Last evaluated: 2025-08-06. Review status: criteria provided, single submitter. Criteria: Invitae Variant Classification Sherloc (09022015). Collection method: clinical testing. Allele origin: germline.
Comment: This sequence change replaces proline, which is neutral and non-polar, with leucine, which is neutral and non-polar, at codon 64 of the HSPB3 protein (p.Pro64Leu). This variant is not present in population databases (gnomAD no frequency). This variant has not been reported in the literature in individuals affected with HSPB3-related conditions. An algorithm developed to predict the effect of missense changes on protein structure and function (PolyPhen-2) suggests that this variant is likely to be tolerated. In summary, the available evidence is currently insufficient to determine the role of this variant in disease. Therefore, it has been classified as a Variant of Uncertain Significance.